The following is an entry in ClinVar:

ClinVar aggregate classification (germline): Uncertain significance. Review status: criteria provided, multiple submitters, no conflicts (2 of 4 stars). 2 submissions from 2 submitters: Uncertain significance (2). Last evaluated 2025-09-13.

Conditions:
Hereditary cancer-predisposing syndrome. Also called: Neoplastic Syndromes, Hereditary; Tumor predisposition; Hereditary neoplastic syndrome; Hereditary Cancer Syndrome. Identifiers: Orphanet 140162, MedGen C0027672, MeSH D009386, MONDO:0015356.
Oligodontia-cancer predisposition syndrome. Also called: TOOTH AGENESIS-COLORECTAL CANCER SYNDROME. Identifiers: Orphanet 300576, MedGen C1837750, MONDO:0012075, OMIM 608615. Disease mechanism: loss of function.

gnomAD v4.1: 1 of 1,613,684 alleles (0.000062%); highest among the groups gnomAD compares: South Asian, 0.0011%; no homozygotes.

Submissions (2):

Ambry Genetics
Classification: Uncertain significance for Hereditary cancer-predisposing syndrome. Last evaluated: 2025-09-13. Review status: criteria provided, single submitter. Criteria: Ambry Variant Classification Scheme 2023. Collection method: clinical testing. Allele origin: germline.
Comment: The p.D614H variant (also known as c.1840G>C), located in coding exon 6 of the AXIN2 gene, results from a G to C substitution at nucleotide position 1840. The aspartic acid at codon 614 is replaced by histidine, an amino acid with similar properties. This amino acid position is conserved. In addition, the in silico prediction for this alteration is inconclusive. Based on the available evidence, the clinical significance of this variant remains unclear.

Labcorp Genetics (formerly Invitae), Labcorp
Classification: Uncertain significance for Oligodontia-cancer predisposition syndrome. Last evaluated: 2022-05-20. Review status: criteria provided, single submitter. Criteria: Invitae Variant Classification Sherloc (09022015). Collection method: clinical testing. Allele origin: germline.
Comment: This variant has not been reported in the literature in individuals affected with AXIN2-related conditions. This variant is not present in population databases (gnomAD no frequency). This sequence change replaces aspartic acid, which is acidic and polar, with histidine, which is basic and polar, at codon 614 of the AXIN2 protein (p.Asp614His). Algorithms developed to predict the effect of missense changes on protein structure and function (SIFT, PolyPhen-2, Align-GVGD) all suggest that this variant is likely to be disruptive. In summary, the available evidence is currently insufficient to determine the role of this variant in disease. Therefore, it has been classified as a Variant of Uncertain Significance.

NM_004655.4(AXIN2):c.1840G>C (p.Asp614His)

Gene: AXIN2 (axin 2; minus strand). Cytogenetic location: 17q24.1.
Variant type: single nucleotide variant.
Coding change: c.1840G>C on transcript NM_004655.4 (MANE Select); coding-DNA position 1840, G replaced by C.
Protein change: p.Asp614His; replaces aspartic acid 614 with histidine.
Molecular consequence: missense variant. On other transcripts: intron variant (1).
Genome position (GRCh38, 1-based): chr17:65,536,936, C>G on the plus strand (G>C on the coding strand, the complement: AXIN2 is on the minus strand). VCF-style: chr17-65536936-C-G. GRCh37 (hg19) VCF-style: chr17-63533054-C-G.
Other names: c.1713-383G>C (NM_001363813.1); short protein forms D614H.
Identifiers: ClinVar variation 2145358 (VCV002145358.5), dbSNP rs2043932959, ClinGen allele CA400676521.